The following is an entry in ClinVar:

ClinVar aggregate classification (germline): Uncertain significance. Review status: criteria provided, multiple submitters, no conflicts (2 of 4 stars). 2 submissions from 2 submitters: Uncertain significance (2). Last evaluated 2023-04-24.

Conditions:
Kleefstra syndrome 1 (KLEFS1). Identifiers: Orphanet 261494, MedGen C0795833, MONDO:0027407, OMIM 610253.

Allele frequency attached by ClinVar (database versions not stated): gnomAD exomes below 0.00001; gnomAD 0.00001.
gnomAD v4.1: 4 of 1,604,086 alleles (0.00025%); highest among the groups gnomAD compares: Admixed American, 0.0034%; no homozygotes.

Submissions (2):

Labcorp Genetics (formerly Invitae), Labcorp
Classification: Uncertain significance for Kleefstra syndrome 1. Last evaluated: 2023-04-24. Review status: criteria provided, single submitter. Criteria: Invitae Variant Classification Sherloc (09022015). Collection method: clinical testing. Allele origin: germline.
Comment: In summary, the available evidence is currently insufficient to determine the role of this variant in disease. Therefore, it has been classified as a Variant of Uncertain Significance. Advanced modeling of protein sequence and biophysical properties (such as structural, functional, and spatial information, amino acid conservation, physicochemical variation, residue mobility, and thermodynamic stability) performed at Invitae indicates that this missense variant is not expected to disrupt EHMT1 protein function. ClinVar contains an entry for this variant (Variation ID: 1347629). This variant has not been reported in the literature in individuals affected with EHMT1-related conditions. This variant is present in population databases (no rsID available, gnomAD 0.1%). This sequence change replaces glutamic acid, which is acidic and polar, with glutamine, which is neutral and polar, at codon 1280 of the EHMT1 protein (p.Glu1280Gln).

Fulgent Genetics
Classification: Uncertain significance for Kleefstra syndrome 1. Last evaluated: 2022-03-28. Review status: criteria provided, single submitter. Criteria: ACMG Guidelines, 2015. Collection method: clinical testing. Allele origin: unknown.

NM_024757.5(EHMT1):c.3838G>C (p.Glu1280Gln)

Gene: EHMT1 (euchromatic histone lysine methyltransferase 1; plus strand). Cytogenetic location: 9q34.3.
Variant type: single nucleotide variant.
Coding change: c.3838G>C on transcript NM_024757.5 (MANE Select); coding-DNA position 3838, G replaced by C.
Protein change: p.Glu1280Gln; replaces glutamic acid 1280 with glutamine.
Molecular consequence: missense variant.
Genome position (GRCh38, 1-based): chr9:137,834,894, G>C. VCF-style: chr9-137834894-G-C. GRCh37 (hg19) VCF-style: chr9-140729346-G-C.
Other names: c.3817G>C, p.Glu1273Gln (NM_001354263.2); short protein forms E1280Q, E1273Q.
Identifiers: ClinVar variation 1347629 (VCV001347629.7), dbSNP rs1215972773, ClinGen allele CA375783671.